The following is an entry in ClinVar:

ClinVar aggregate classification (germline): Uncertain significance. Review status: criteria provided, multiple submitters, no conflicts (2 of 4 stars). 2 submissions from 2 submitters: Uncertain significance (2). Last evaluated 2024-03-07.

Conditions:
Inborn genetic diseases. Identifiers: MedGen C0950123, MeSH D030342.

Allele frequency attached by ClinVar (database versions not stated): gnomAD 0.00004; gnomAD exomes 0.00004; TOPMed 0.00004; ExAC 0.00011; ESP Exome Variant Server 0.00023.
gnomAD v4.1: 59 of 1,597,062 alleles (0.0037%); highest among the groups gnomAD compares: Middle Eastern, 0.033%; no homozygotes.

Submissions (2):

Ambry Genetics
Classification: Uncertain significance for Inborn genetic diseases. Last evaluated: 2024-03-07. Review status: criteria provided, single submitter. Criteria: Ambry Variant Classification Scheme 2023. Collection method: clinical testing. Allele origin: germline.

Labcorp Genetics (formerly Invitae), Labcorp
Classification: Uncertain significance. Last evaluated: 2021-12-30. Review status: criteria provided, single submitter. Criteria: Invitae Variant Classification Sherloc (09022015). Collection method: clinical testing. Allele origin: germline.
Comment: This sequence change replaces proline, which is neutral and non-polar, with leucine, which is neutral and non-polar, at codon 1070 of the COL27A1 protein (p.Pro1070Leu). This variant is present in population databases (rs201234688, gnomAD 0.02%). This variant has not been reported in the literature in individuals affected with COL27A1-related conditions. Advanced modeling of protein sequence and biophysical properties (such as structural, functional, and spatial information, amino acid conservation, physicochemical variation, residue mobility, and thermodynamic stability) performed at Invitae indicates that this missense variant is not expected to disrupt COL27A1 protein function. In summary, the available evidence is currently insufficient to determine the role of this variant in disease. Therefore, it has been classified as a Variant of Uncertain Significance.

NM_032888.4(COL27A1):c.3209C>T (p.Pro1070Leu)

Gene: COL27A1 (collagen type XXVII alpha 1 chain; plus strand). Cytogenetic location: 9q32.
Variant type: single nucleotide variant.
Coding change: c.3209C>T on transcript NM_032888.4 (MANE Select); coding-DNA position 3209, C replaced by T.
Protein change: p.Pro1070Leu; replaces proline 1070 with leucine.
Molecular consequence: missense variant.
Genome position (GRCh38, 1-based): chr9:114,264,368, C>T. VCF-style: chr9-114264368-C-T. GRCh37 (hg19) VCF-style: chr9-117026648-C-T.
Other names: c.3209C>T (NM_032888.2); short protein forms P1070L.
Identifiers: ClinVar variation 2082885 (VCV002082885.2), dbSNP rs201234688, ClinGen allele CA5202344.